The following is an entry in ClinVar:

ClinVar aggregate classification (germline): Likely pathogenic (1 of 4 stars; one submission).

Conditions:
Very long chain acyl-CoA dehydrogenase deficiency (ACADVLD). Also called: Very Long-Chain Acyl-Coenzyme A Dehydrogenase Deficiency; VLCAD Deficiency. Identifiers: Orphanet 26793, MedGen C3887523, MONDO:0008723, OMIM 201475.

Submission:

Labcorp Genetics (formerly Invitae), Labcorp
Classification: Likely pathogenic for Very long chain acyl-CoA dehydrogenase deficiency. Last evaluated: 2022-04-19. Review status: criteria provided, single submitter. Criteria: Invitae Variant Classification Sherloc (09022015). Collection method: clinical testing. Allele origin: germline.
Comment: In summary, the currently available evidence indicates that the variant is pathogenic, but additional data are needed to prove that conclusively. Therefore, this variant has been classified as Likely Pathogenic. Algorithms developed to predict the effect of sequence changes on RNA splicing suggest that this variant may disrupt the consensus splice site. This variant has not been reported in the literature in individuals affected with ACADVL-related conditions. This variant is not present in population databases (gnomAD no frequency). This variant results in the deletion of part of exon 3 (c.200_204+19del) of the ACADVL gene. It is expected to disrupt RNA splicing. Variants that disrupt the donor or acceptor splice site typically lead to a loss of protein function (PMID: 16199547), and loss-of-function variants in ACADVL are known to be pathogenic (PMID: 9973285, 11590124).

Literature cited by the submitters: PubMed 16199547; PubMed 9973285; PubMed 11590124.

NM_000018.4(ACADVL):c.200_204+19del

Gene: ACADVL (acyl-CoA dehydrogenase very long chain; plus strand). Cytogenetic location: 17p13.1.
Variant type: Deletion.
Coding change: c.200_204+19del on transcript NM_000018.4 (MANE Select); coding-DNA position 200 through 19 bases into the intron after coding-DNA position 204, 24 bases deleted (AGGCGGTAGGTAGCCCCGAGGCCA).
Molecular consequence: splice donor variant. On other transcripts: intron variant (1).
Genome position (GRCh38, 1-based): chr17:7,220,525-7,220,548, AGGCGGTAGGTAGCCCCGAGGCCA deleted; deleting any 24 consecutive bases within chr17:7,220,520-7,220,548 gives the same sequence; the c. name uses the placement nearest the transcript's 3' end. VCF-style (leftmost placement, unchanged base first): chr17-7220519-CGGCCAAGGCGGTAGGTAGCCCCGA-C. GRCh37 (hg19) VCF-style: chr17-7123838-CGGCCAAGGCGGTAGGTAGCCCCGA-C.
Other names: c.269_273+19del (NM_001270447.2); c.-29_-25+19del (NM_001270448.2); c.139-79_139-56del (NM_001033859.3).
Identifiers: ClinVar variation 2128007 (VCV002128007.4), dbSNP rs2508248996, ClinGen allele CA2580094766.